The following is an entry in ClinVar:

NM_004370.6(COL12A1):c.2546C>A (p.Thr849Asn)

Gene: COL12A1 (collagen type XII alpha 1 chain; minus strand). Cytogenetic location: 6q13.
Variant type: single nucleotide variant.
Coding change: c.2546C>A on transcript NM_004370.6 (MANE Select); coding-DNA position 2546, C replaced by A.
Protein change: p.Thr849Asn; replaces threonine 849 with asparagine.
Molecular consequence: missense variant. On other transcripts: intron variant (1).
Genome position (GRCh38, 1-based): chr6:75,175,202, G>T on the plus strand (C>A on the coding strand, the complement: COL12A1 is on the minus strand). VCF-style: chr6-75175202-G-T. GRCh37 (hg19) VCF-style: chr6-75884918-G-T.
Other names: c.74-22720C>A (NM_080645.3); short protein forms T849N.
Identifiers: ClinVar variation 542483 (VCV000542483.1), dbSNP rs559028883, ClinGen allele CA364762129.

ClinVar aggregate classification (germline): Uncertain significance (1 of 4 stars; one submission).

Conditions:
Ullrich congenital muscular dystrophy 2 (UCMD2). Identifiers: Orphanet 75840, MedGen C4225314, MONDO:0014654, OMIM 616470.
Bethlem myopathy 2 (BTHLM2). Identifiers: Orphanet 536516, Orphanet 610, MedGen C4225313, MONDO:0034022, OMIM 616471.

Allele frequency attached by ClinVar (database versions not stated): gnomAD exomes below 0.00001.
gnomAD v4.1: 2 of 1,614,112 alleles (0.00012%); highest among the groups gnomAD compares: Middle Eastern, 0.016%; no homozygotes.

Submission:

Labcorp Genetics (formerly Invitae), Labcorp
Classification: Uncertain significance for Bethlem myopathy 2; Ullrich congenital muscular dystrophy 2. Last evaluated: 2017-10-23. Review status: criteria provided, single submitter. Criteria: Invitae Variant Classification Sherloc (09022015). Collection method: clinical testing. Allele origin: germline.
Comment: This sequence change replaces threonine with asparagine at codon 849 of the COL12A1 protein (p.Thr849Asn). The threonine residue is moderately conserved and there is a small physicochemical difference between threonine and asparagine. This variant is not present in population databases (ExAC no frequency). This variant has not been reported in the literature in individuals with COL12A1-related disease. Algorithms developed to predict the effect of missense changes on protein structure and function (SIFT, PolyPhen-2, Align-GVGD) all suggest that this variant is likely to be tolerated, but these predictions have not been confirmed by published functional studies and their clinical significance is uncertain. In summary, the available evidence is currently insufficient to determine the role of this variant in disease. Therefore, it has been classified as a Variant of Uncertain Significance.